The following is an entry in ClinVar:

NC_000020.10:g.(?_25056897)_(25320007_?)dup

Genes: VSX1 (visual system homeobox 1; minus strand), ABHD12 (abhydrolase domain containing 12, lysophospholipase; minus strand), ENTPD6 (ectonucleoside triphosphate diphosphohydrolase 6; plus strand), PYGB (glycogen phosphorylase B; plus strand). Cytogenetic location: 20p11.21.
Variant type: Duplication.
Identifiers: ClinVar variation 2423578 (VCV002423578.4).

ClinVar aggregate classification (germline): Uncertain significance (1 of 4 stars; one submission).

Submission:

Labcorp Genetics (formerly Invitae), Labcorp
Classification: Uncertain significance. Last evaluated: 2022-06-27. Review status: criteria provided, single submitter. Criteria: Invitae Variant Classification Sherloc (09022015). Collection method: clinical testing. Allele origin: germline.
Comment: In summary, the available evidence is currently insufficient to determine the role of this variant in disease. Therefore, it has been classified as a Variant of Uncertain Significance. Experimental studies and prediction algorithms are not available or were not evaluated, and the functional significance of this variant is currently unknown. This variant has not been reported in the literature in individuals affected with ABHD12-related conditions. This variant results in a copy number gain of the genomic region encompassing exon(s) 2-13 of the ABHD12 gene. This region includes the termination codon of the gene. This copy number gain extends beyond the assayed region for this gene and therefore may encompass additional genes. As the precise location of this event is unknown, it may be in tandem or it may be located elsewhere in the genome.